The following is an entry in ClinVar:

NM_001401501.2(MUC16):c.10616G>T (p.Arg3539Met)

Gene: MUC16 (mucin 16, cell surface associated; minus strand). Cytogenetic location: 19p13.2.
Variant type: single nucleotide variant.
Coding change: c.10616G>T on transcript NM_001401501.2 (MANE Select); coding-DNA position 10616, G replaced by T.
Protein change: p.Arg3539Met; replaces arginine 3539 with methionine.
Molecular consequence: missense variant.
Genome position (GRCh38, 1-based): chr19:8,966,274, C>A on the plus strand (G>T on the coding strand, the complement: MUC16 is on the minus strand). VCF-style: chr19-8966274-C-A. GRCh37 (hg19) VCF-style: chr19-9076950-C-A.
Other names: c.11042G>T, p.Arg3681Met (NM_001414686.1); c.10496G>T, p.Arg3499Met (NM_001414687.1, NM_024690.2); short protein forms R3499M, R3539M, R3681M.
Identifiers: ClinVar variation 3060658 (VCV003060658.2), dbSNP rs2547076, ClinGen allele CA9171450.

ClinVar aggregate classification (germline): Benign (0 of 4 stars; one submission).

Conditions:
MUC16-related disorder. Also called: MUC16-related condition.

Allele frequency attached by ClinVar (database versions not stated): TOPMed 0.26162; ExAC 0.26277; ESP Exome Variant Server 0.26338; gnomAD exomes 0.29264; 1000 Genomes Project 0.24820; 1000 Genomes Project 30x 0.24922; gnomAD 0.25942.

Submission:

PreventionGenetics, part of Exact Sciences
Classification: Benign for MUC16-related condition. Last evaluated: 2019-10-22. Review status: no assertion criteria provided. Collection method: clinical testing. Allele origin: germline.
Comment: This variant is classified as benign based on ACMG/AMP sequence variant interpretation guidelines (Richards et al. 2015 PMID: 25741868, with internal and published modifications).